The following is an entry in ClinVar:

NM_022773.4(LMF1):c.58A>T (p.Thr20Ser)

Genes: LMF1 (lipase maturation factor 1; minus strand), LOC130058141 (ATAC-STARR-seq lymphoblastoid silent region 6962; plus strand). Cytogenetic location: 16p13.3.
Variant type: single nucleotide variant.
Coding change: c.58A>T on transcript NM_022773.4 (MANE Select); coding-DNA position 58, A replaced by T.
Protein change: p.Thr20Ser; replaces threonine 20 with serine.
Molecular consequence: missense variant. On other transcripts: 5 prime UTR variant (1), non-coding transcript variant (1), intron variant (3).
Genome position (GRCh38, 1-based): chr16:970,923, T>A on the plus strand (A>T on the coding strand, the complement: LMF1 is on the minus strand). VCF-style: chr16-970923-T-A. GRCh37 (hg19) VCF-style: chr16-1020923-T-A.
Other names: c.58A>T, p.Thr20Ser (NM_001352020.1); c.-648A>T (NM_001352021.2); c.-135+10222A>T (NM_001352019.2); c.-611+10222A>T (NM_001352017.2); c.-362+10222A>T (NM_001352018.2); c.58A>T (NM_022773.2); short protein forms T20S.
Identifiers: ClinVar variation 1359644 (VCV001359644.7), dbSNP rs1241061126, ClinGen allele CA394111637.
Genomic context (GRCh38, chr16:970,923, plus strand): 5'-AGCCTGCGGGGCCACGCCCCGGCGCGGGCGGCGACTCAGGCTCCGGATCCGAGTACCCAG[T>A]CTTCCGCCTCCTCAGCGACTCCGCGGGCGCCGCCATTGTTGGGCTGTCAGGGCGCATGTG-3'
Protein context (NP_073610.2, residues 10-30): APAESLRRRK[Thr20Ser]GYSDPEPESP

ClinVar aggregate classification (germline): Uncertain significance. Review status: criteria provided, multiple submitters, no conflicts (2 of 4 stars). 2 submissions from 2 submitters: Uncertain significance (2). Last evaluated 2025-02-22.

Conditions:
Cardiovascular phenotype. Identifiers: MedGen CN230736.

Allele frequency attached by ClinVar (database versions not stated): gnomAD exomes below 0.00001.
gnomAD v4.1: 1 of 1,572,020 alleles (0.000064%); highest among the groups gnomAD compares: Non-Finnish European, 0.000086%; no homozygotes.

Submissions (2):

Ambry Genetics
Classification: Uncertain significance for Cardiovascular phenotype. Last evaluated: 2025-02-22. Review status: criteria provided, single submitter. Criteria: Ambry Variant Classification Scheme 2023. Collection method: clinical testing. Allele origin: germline.
Comment: The p.T20S variant (also known as c.58A>T), located in coding exon 1 of the LMF1 gene, results from an A to T substitution at nucleotide position 58. The threonine at codon 20 is replaced by serine, an amino acid with similar properties. This amino acid position is conserved. In addition, this alteration is predicted to be tolerated by in silico analysis. Based on the available evidence, the clinical significance of this variant remains unclear.

Labcorp Genetics (formerly Invitae), Labcorp
Classification: Uncertain significance. Last evaluated: 2021-07-29. Review status: criteria provided, single submitter. Criteria: Invitae Variant Classification Sherloc (09022015). Collection method: clinical testing. Allele origin: germline.
Comment: In summary, the available evidence is currently insufficient to determine the role of this variant in disease. Therefore, it has been classified as a Variant of Uncertain Significance. Algorithms developed to predict the effect of missense changes on protein structure and function (SIFT, PolyPhen-2, Align-GVGD) all suggest that this variant is likely to be tolerated. This variant has not been reported in the literature in individuals affected with LMF1-related conditions. This variant is not present in population databases (ExAC no frequency). This sequence change replaces threonine with serine at codon 20 of the LMF1 protein (p.Thr20Ser). The threonine residue is weakly conserved and there is a small physicochemical difference between threonine and serine.